The following is an entry in ClinVar:

ClinVar aggregate classification (germline): Uncertain significance (1 of 4 stars; one submission).

Conditions:
Familial cold autoinflammatory syndrome 4 (FCAS4). Identifiers: Orphanet 47045, Orphanet 576349, MedGen C4015276, MONDO:0014498, OMIM 616115.
Periodic fever-infantile enterocolitis-autoinflammatory syndrome. Also called: Autoinflammation with infantile enterocolitis. Identifiers: Orphanet 436166, MedGen C4015067, MONDO:0014472, OMIM 616050.

Allele frequency attached by ClinVar (database versions not stated): gnomAD exomes below 0.00001; gnomAD 0.00001.
gnomAD v4.1: 5 of 1,613,754 alleles (0.00031%); highest among the groups gnomAD compares: South Asian, 0.0011%; no homozygotes.

Submission:

Labcorp Genetics (formerly Invitae), Labcorp
Classification: Uncertain significance for Periodic fever-infantile enterocolitis-autoinflammatory syndrome; Familial cold autoinflammatory syndrome 4. Last evaluated: 2024-11-19. Review status: criteria provided, single submitter. Criteria: Invitae Variant Classification Sherloc (09022015). Collection method: clinical testing. Allele origin: germline.
Comment: This sequence change replaces aspartic acid, which is acidic and polar, with histidine, which is basic and polar, at codon 980 of the NLRC4 protein (p.Asp980His). This variant is present in population databases (no rsID available, gnomAD 0.0009%). This variant has not been reported in the literature in individuals affected with NLRC4-related conditions. ClinVar contains an entry for this variant (Variation ID: 1478518). Invitae Evidence Modeling of protein sequence and biophysical properties (such as structural, functional, and spatial information, amino acid conservation, physicochemical variation, residue mobility, and thermodynamic stability) indicates that this missense variant is not expected to disrupt NLRC4 protein function with a negative predictive value of 80%. In summary, the available evidence is currently insufficient to determine the role of this variant in disease. Therefore, it has been classified as a Variant of Uncertain Significance.

NM_001199138.2(NLRC4):c.2938G>C (p.Asp980His)

Gene: NLRC4 (NLR family CARD domain containing 4; minus strand). Cytogenetic location: 2p22.3.
Variant type: single nucleotide variant.
Coding change: c.2938G>C on transcript NM_001199138.2 (MANE Select); coding-DNA position 2938, G replaced by C.
Protein change: p.Asp980His; replaces aspartic acid 980 with histidine.
Molecular consequence: missense variant.
Genome position (GRCh38, 1-based): chr2:32,224,610, C>G on the plus strand (G>C on the coding strand, the complement: NLRC4 is on the minus strand). VCF-style: chr2-32224610-C-G. GRCh37 (hg19) VCF-style: chr2-32449679-C-G.
Other names: c.2938G>C, p.Asp980His (NM_001199139.2, NM_021209.5); c.943G>C, p.Asp315His (NM_001302504.2); short protein forms D980H, D315H.
Identifiers: ClinVar variation 1478518 (VCV001478518.8), dbSNP rs1472895111, ClinGen allele CA346519282.